The following is an entry in ClinVar:

ClinVar aggregate classification (germline): Uncertain significance. Review status: criteria provided, single submitter (1 of 4 stars). 2 submissions from 2 submitters: Uncertain significance (1). 1 of the submissions does not count toward it. Last evaluated 2025-03-15.

Conditions:
KIDINS220-related disorder. Also called: KIDINS220-related condition.
Inborn genetic diseases. Identifiers: MedGen C0950123, MeSH D030342.

gnomAD v4.1: 15 of 1,614,010 alleles (0.00093%); highest among the groups gnomAD compares: Admixed American, 0.005%; no homozygotes.

Submissions (2):

Ambry Genetics
Classification: Uncertain significance for Inborn genetic diseases. Last evaluated: 2025-03-15. Review status: criteria provided, single submitter. Criteria: Ambry Variant Classification Scheme 2023. Collection method: clinical testing. Allele origin: germline.

PreventionGenetics, part of Exact Sciences
Classification: Uncertain significance for KIDINS220-related condition. Last evaluated: 2024-03-28. Review status: no assertion criteria provided. Collection method: clinical testing. Allele origin: germline. Not counted in ClinVar's aggregate classification.
Comment: The KIDINS220 c.3598G>A variant is predicted to result in the amino acid substitution p.Ala1200Thr. To our knowledge, this variant has not been reported in the literature. This variant is reported in 0.00088% of alleles in individuals of European (Non-Finnish) descent in gnomAD. At this time, the clinical significance of this variant is uncertain due to the absence of conclusive functional and genetic evidence.

NM_020738.4(KIDINS220):c.3598G>A (p.Ala1200Thr)

Gene: KIDINS220 (kinase D interacting substrate 220; minus strand). Cytogenetic location: 2p25.1.
Variant type: single nucleotide variant.
Coding change: c.3598G>A on transcript NM_020738.4 (MANE Select); coding-DNA position 3598, G replaced by A.
Protein change: p.Ala1200Thr; replaces alanine 1200 with threonine.
Molecular consequence: missense variant. On other transcripts: non-coding transcript variant (2).
Genome position (GRCh38, 1-based): chr2:8,736,987, C>T on the plus strand (G>A on the coding strand, the complement: KIDINS220 is on the minus strand). VCF-style: chr2-8736987-C-T. GRCh37 (hg19) VCF-style: chr2-8877117-C-T.
Other names: c.3601G>A, p.Ala1201Thr (NM_001348729.2); c.3544G>A, p.Ala1182Thr (NM_001348731.2); c.3541G>A, p.Ala1181Thr (NM_001348732.2, NM_001348738.2); c.3430G>A, p.Ala1144Thr (NM_001348734.2, NM_001348739.2, NM_001348740.2); c.3427G>A, p.Ala1143Thr (NM_001348735.2, NM_001348741.2, NM_001348742.2 and 1 more transcripts); c.3301G>A, p.Ala1101Thr (NM_001348736.2); short protein forms A1101T, A1143T, A1144T, A1181T, A1182T, A1200T, A1201T.
Identifiers: ClinVar variation 3350634 (VCV003350634.2).